The following is an entry in ClinVar:

NM_053274.3(GLMN):c.1150_1151del (p.Ser384fs)

Gene: GLMN (glomulin; minus strand). Cytogenetic location: 1p22.1.
Variant type: Microsatellite.
Coding change: c.1150_1151del on transcript NM_053274.3 (MANE Select); coding-DNA positions 1150 to 1151, 2 bases deleted (AG; older notation c.1150_1151delAG).
Protein change: p.Ser384fs; shifts the reading frame from serine 384.
Molecular consequence: frameshift variant. On other transcripts: non-coding transcript variant (1).
Genome position (GRCh38, 1-based): chr1:92,266,482-92,266,483, CT deleted on the plus strand (AG on the coding strand, the reverse complement: GLMN is on the minus strand); deleting any 2 consecutive bases within chr1:92,266,482-92,266,485 gives the same sequence; the c. name uses the placement nearest the transcript's 3' end. VCF-style (leftmost placement, unchanged base first): chr1-92266481-ACT-A. GRCh37 (hg19) VCF-style: chr1-92732038-ACT-A.
Other names: c.1108_1109del, p.Ser370fs (NM_001319683.2); c.1150_1151delAG (NM_053274.2); c.1150_1151del (NM_053274.2); short protein forms S370fs, S384fs.
Identifiers: ClinVar variation 1691366 (VCV001691366.9), dbSNP rs750074519, ClinGen allele CA950336.

ClinVar aggregate classification (germline): Pathogenic/Likely pathogenic. Review status: criteria provided, multiple submitters, no conflicts (2 of 4 stars). 6 submissions from 6 submitters: Pathogenic (4); Likely pathogenic (1). 1 of the submissions does not count toward it. Last evaluated 2026-04-06.

Conditions:
Glomuvenous malformation. Also called: Familial glomangioma; GLOMANGIOMAS, MULTIPLE; GLOMUS TUMORS, MULTIPLE; VENOUS MALFORMATIONS WITH GLOMUS CELLS. Identifiers: Orphanet 83454, MedGen C1841984, MONDO:0007672, OMIM 138000.
GLMN-related disorders.
GLMN-related disorder. Also called: GLMN-related condition.

Submissions (6):

GeneDx
Classification: Pathogenic. Last evaluated: 2026-04-06. Review status: criteria provided, single submitter. Criteria: GeneDx Variant Classification Process June 2021. Collection method: clinical testing. Allele origin: germline.
Comment: Frameshift variant predicted to result in protein truncation or nonsense mediated decay in a gene for which loss of function is a known mechanism of disease; Not observed at significant frequency in large population cohorts (gnomAD); This variant is associated with the following publications: (PMID: 15689436, 25809388)

ARUP Laboratories, Molecular Genetics and Genomics, ARUP Laboratories
Classification: Likely pathogenic for Glomuvenous malformation. Last evaluated: 2023-12-30. Review status: criteria provided, single submitter. Criteria: ARUP Molecular Germline Variant Investigation Process 2024. Collection method: clinical testing. Allele origin: germline.
Comment: The GLMN c.1150_1151del; p.Ser384PhefsTer9 variant (rs750074519) is reported in the literature in individuals affected with glomuvenous malformations (Brouillard 2013, Ohata 2015). This variant is reported in ClinVar (Variation ID: 1691366), and is only observed on three alleles in the Genome Aggregation Database (v2.1.1), indicating it is not a common polymorphism. This variant causes a frameshift by deleting two nucleotides, so it is predicted to result in a truncated protein or mRNA subject to nonsense-mediated decay. Based on available information, this variant is considered to be likely pathogenic. References: Brouillard P et al. Genotypes and phenotypes of 162 families with a glomulin mutation. Mol Syndromol. 2013 Apr;4(4):157-64. PMID: 23801931. Ohata C et al. Loss of heterozygosity in a case of glomuvenous malformations. J Dermatol. 2015 Jun;42(6):646-7. PMID: 25809388.

Seattle Children's Hospital Molecular Genetics Laboratory, Seattle Children's Hospital
Classification: Pathogenic. Last evaluated: 2021-08-11. Review status: criteria provided, single submitter. Criteria: ACMG Guidelines, 2015. Collection method: clinical testing. Allele origin: germline. Affected: yes.
Comment: The c.1150_1151delAG (p.Ser384Phefs*9) variant has been reported previously in the medical literature among multiple individuals with glomuvenous malformations (GVMs) (PMID: 15689436, PMID: 25809388). This variant has also been observed in large population studies at low frequency (3 of 247,964 alleles, Genome Aggregation Database v2.1.1).

Blueprint Genetics
Classification: Pathogenic for GLMN-related disorders. Last evaluated: 2019-06-07. Review status: criteria provided, single submitter. Criteria: ACMG Guidelines, 2015. Collection method: clinical testing. Allele origin: germline. Affected: yes. Observed: 1 variant allele.

Juno Genomics, Hangzhou Juno Genomics, Inc
Classification: Pathogenic for Glomuvenous malformation. Review status: criteria provided, single submitter. Criteria: ACMG Guidelines, 2015. Collection method: clinical testing. Allele origin: germline.
Comment: Absent from controls (or at extremely low frequency if recessive) in Genome Aggregation Database.;Null variant in a gene where loss of function (LOF) is a known mechanism of disease.;The prevalence of the variant in affected individuals is significantly increased compared to the prevalence in controls.;Patient's phenotype or family history is highly specific for a disease with a single genetic etiology.

PreventionGenetics, part of Exact Sciences
Classification: Pathogenic for GLMN-related condition. Last evaluated: 2024-08-21. Review status: no assertion criteria provided. Collection method: clinical testing. Allele origin: germline. Not counted in ClinVar's aggregate classification.
Comment: The GLMN c.1150_1151delAG variant is predicted to result in a frameshift and premature protein termination (p.Ser384Phefs*9). This variant has been reported to be causative for glomuvenous malformations (Brouillard et al. 2005. PubMed ID: 15689436; Ohata et al. 2015. PubMed ID: 25809388). This variant is reported in 0.0029% of alleles in individuals of Latino descent in gnomAD. Frameshift variants in GLMN are expected to be pathogenic. This variant is interpreted as pathogenic.